The following is an entry in ClinVar:

NM_000051.4(ATM):c.7169T>G (p.Leu2390Ter)

Genes: ATM (ATM serine/threonine kinase; plus strand), C11orf65 (chromosome 11 open reading frame 65; minus strand). Cytogenetic location: 11q22.3.
Variant type: single nucleotide variant.
Coding change: c.7169T>G on transcript NM_000051.4 (MANE Select); coding-DNA position 7169, T replaced by G.
Protein change: p.Leu2390Ter; replaces leucine 2390 with a stop codon.
Molecular consequence: nonsense. On other transcripts: intron variant (2).
Genome position (GRCh38, 1-based): chr11:108,329,100, T>G. VCF-style: chr11-108329100-T-G. GRCh37 (hg19) VCF-style: chr11-108199827-T-G.
Other names: c.7169T>G, p.Leu2390Ter (NM_001351834.2); c.641-20029A>C (NM_001330368.2); c.*38+6120A>C (NM_001351110.2); short protein forms L2390*.
Identifiers: ClinVar variation 4814698 (VCV004814698.1).

ClinVar aggregate classification (germline): Likely pathogenic (1 of 4 stars; one submission).

Conditions:
Ataxia-telangiectasia syndrome (AT). Also called: LOUIS-BAR SYNDROME; Cerebello-oculocutaneous telangiectasia; Immunodeficiency with ataxia telangiectasia; Ataxia-telangiectasia, complementation group D; AT, COMPLEMENTATION GROUP C; ATAXIA-TELANGIECTASIA, COMPLEMENTATION GROUP A. Identifiers: Orphanet 100, MedGen C0004135, MONDO:0008840, OMIM 208900.

Submission:

Natera, Inc.
Classification: Likely pathogenic for Ataxia-telangiectasia. Last evaluated: 2024-03-01. Review status: criteria provided, single submitter. Criteria: Natera Variant Classification Schema (03/2026). Collection method: clinical testing. Allele origin: germline.
Comment: The c.7169T>G variant in ATM is a nonsense variant predicted to introduce a stop codon at amino acid 2390. This variant is expected to result in nonsense mediated decay, truncation, or a dysfunctional protein product. This variant is rare in the general population with a frequency below the threshold expected for the associated phenotype(s). Given the available evidence, this variant is classified as Likely Pathogenic.